The following is an entry in ClinVar:

ClinVar aggregate classification (germline): Likely benign (1 of 4 stars; one submission).

Allele frequency attached by ClinVar (database versions not stated): gnomAD 0.00001; TOPMed 0.00002.

Submission:

CeGaT Center for Human Genetics Tuebingen
Classification: Likely benign. Last evaluated: 2022-07-01. Review status: criteria provided, single submitter. Criteria: CeGaT Center For Human Genetics Tuebingen Variant Classification Criteria Version 2. Collection method: clinical testing. Allele origin: germline. Affected: yes. Observed: 1 variant allele.
Comment: ANXA6: BP4, BP7

NM_001155.5(ANXA6):c.1731C>T (p.Thr577=)

Gene: ANXA6 (annexin A6; minus strand). Cytogenetic location: 5q33.1.
Variant type: single nucleotide variant.
Coding change: c.1731C>T on transcript NM_001155.5 (MANE Select); coding-DNA position 1731, C replaced by T.
Protein change: p.Thr577=; no amino-acid change (threonine 577 retained).
Molecular consequence: synonymous variant.
Genome position (GRCh38, 1-based): chr5:151,108,504, G>A on the plus strand (C>T on the coding strand, the complement: ANXA6 is on the minus strand). VCF-style: chr5-151108504-G-A. GRCh37 (hg19) VCF-style: chr5-150488065-G-A.
Other names: c.1635C>T, p.Thr545= (NM_001193544.2); c.1713C>T, p.Thr571= (NM_001363114.2).
Identifiers: ClinVar variation 2655941 (VCV002655941.24), dbSNP rs773731360, ClinGen allele CA3516585.
Genomic context (GRCh38, chr5:151,108,504, plus strand): 5'-CTGCCAGTTACCAATGGCCACAAATGCATCCCTGACATCCCCAGACATCTCCTTCTTGAT[G>A]GTGTGCTCCACGTCATAGTTGGTCATCTTGATGAACTCCTGGAAGACTGGCCACAAGAGA-3'
Protein context (NP_001146.2, residues 567-587): IKMTNYDVEH[Thr577=]IKKEMSGDVR